The following is an entry in ClinVar:

NM_001347721.2(DYRK1A):c.1821CCA[5] (p.His610_Gly611insHisHis)

Gene: DYRK1A (dual specificity tyrosine phosphorylation regulated kinase 1A; plus strand). Cytogenetic location: 21q22.13.
Variant type: Microsatellite.
Coding change: c.1821CCA[5] on transcript NM_001347721.2 (MANE Select); five copies in a row of the 3-base unit CCA starting at c.1821; the reference has three copies in a row; two copies, 6 bases duplicated.
Protein change: p.His610_Gly611insHisHis.
Molecular consequence: inframe insertion. On other transcripts: 3 prime UTR variant (2).
Genome position (GRCh38, 1-based): chr21:37,512,090-37,512,095, CCACCA duplicated; duplicating any 6 consecutive bases within chr21:37,512,085-37,512,095 gives the same sequence; the position shown is the placement nearest the transcript's 3' end. VCF-style (leftmost placement, unchanged base first): chr21-37512084-T-TCACCAC. GRCh37 (hg19) VCF-style: chr21-38884387-T-TCACCAC.
Other names: c.1821CCA[5], p.His610_Gly611insHisHis (NM_001347722.2, NM_130436.2); c.1734CCA[5], p.His581_Gly582insHisHis (NM_001347723.2); c.1848CCA[5], p.His619_Gly620insHisHis (NM_001396.5); c.*224CCA[5] (NM_101395.2); c.*133CCA[5] (NM_130438.2).
Identifiers: ClinVar variation 1879541 (VCV001879541.32), dbSNP rs1569405497, ClinGen allele CA2388506580.
Genomic context (GRCh38, chr21:37,512,084, plus strand): 5'-GAATGCATTGCATCATCACCATGGTAACAGTTCCCATCACCATCACCACCACCACCACCA[T>TCACCAC]CACCACCACCATGGACAACAAGCCTTGGGTAACCGGACCAGGCCAAGGGTCTACAATTCT-3'

ClinVar aggregate classification (germline): Uncertain significance. Review status: criteria provided, multiple submitters, no conflicts (2 of 4 stars). 2 submissions from 2 submitters: Uncertain significance (2). Last evaluated 2023-11-27.

Conditions:
DYRK1A-related intellectual disability syndrome (MRD7). Also called: DYRK1A Syndrome; Intellectual developmental disorder, autosomal dominant 7. Identifiers: Orphanet 464306, MedGen C5568143, MONDO:0013578, OMIM 614104.

Submissions (2):

Labcorp Genetics (formerly Invitae), Labcorp
Classification: Uncertain significance for DYRK1A-related intellectual disability syndrome. Last evaluated: 2023-11-27. Review status: criteria provided, single submitter. Criteria: Invitae Variant Classification Sherloc (09022015). Collection method: clinical testing. Allele origin: germline.
Comment: This variant, c.1851_1856dup, results in the insertion of 2 amino acid(s) of the DYRK1A protein (p.His618_His619dup), but otherwise preserves the integrity of the reading frame. This variant is not present in population databases (gnomAD no frequency). This variant has not been reported in the literature in individuals affected with DYRK1A-related conditions. In summary, the available evidence is currently insufficient to determine the role of this variant in disease. Therefore, it has been classified as a Variant of Uncertain Significance.

CeGaT Center for Human Genetics Tuebingen
Classification: Uncertain significance. Last evaluated: 2022-11-01. Review status: criteria provided, single submitter. Criteria: CeGaT Center For Human Genetics Tuebingen Variant Classification Criteria Version 2. Collection method: clinical testing. Allele origin: germline. Affected: yes. Observed: 1 variant allele.
Comment: DYRK1A: PM2